The following is an entry in ClinVar:

ClinVar aggregate classification (germline): Conflicting classifications of pathogenicity. Review status: criteria provided, conflicting classifications (1 of 4 stars). 9 submissions from 9 submitters: Uncertain significance (3); Benign (1); Likely benign (5). Last evaluated 2025-08-05.

Conditions:
TTN-related disorder. Also called: TTN-related disorders; TTN-related condition; TTN-related disease.
Dilated cardiomyopathy 1G (CMD1G). Identifiers: Orphanet 154, MedGen C1858763, MONDO:0011400, OMIM 604145.
Autosomal recessive limb-girdle muscular dystrophy type 2J (LGMDR10). Also called: Limb-girdle muscular dystrophy, type 2J; MUSCULAR DYSTROPHY, LIMB-GIRDLE, AUTOSOMAL RECESSIVE 10. Identifiers: Orphanet 140922, MedGen C1837342, MONDO:0012127, OMIM 608807.

Allele frequency attached by ClinVar (database versions not stated): ExAC 0.00007; gnomAD 0.00009; gnomAD exomes 0.00007; 1000 Genomes Project 0.00020; TOPMed 0.00011; 1000 Genomes Project 30x 0.00016.
gnomAD v4.1: 272 of 1,613,606 alleles (0.017%); highest among the groups gnomAD compares: East Asian, 0.067%; no homozygotes.

Submissions (9):

PreventionGenetics, part of Exact Sciences
Classification: Likely benign for TTN-related condition. Last evaluated: 2025-08-05. Review status: criteria provided, single submitter. Criteria: ACMG Guidelines, 2015. Collection method: clinical testing. Allele origin: germline.
Comment: This variant is classified as likely benign based on ACMG/AMP sequence variant interpretation guidelines (Richards et al. 2015 PMID: 25741868, with internal and published modifications).

Blueprint Genetics
Classification: Likely benign. Last evaluated: 2024-10-04. Review status: criteria provided, single submitter. Criteria: ACMG Guidelines, 2015. Collection method: clinical testing. Allele origin: germline.

CeGaT Center for Human Genetics Tuebingen
Classification: Likely benign. Last evaluated: 2023-11-01. Review status: criteria provided, single submitter. Criteria: CeGaT Center For Human Genetics Tuebingen Variant Classification Criteria Version 2. Collection method: clinical testing. Allele origin: germline. Affected: yes. Observed: 1 variant allele.
Comment: TTN: BP4, BP7

Revvity Omics, Revvity
Classification: Uncertain significance. Last evaluated: 2022-08-29. Review status: criteria provided, single submitter. Criteria: ACMG Guidelines, 2015. Collection method: clinical testing. Allele origin: germline.

ARUP Laboratories, Molecular Genetics and Genomics, ARUP Laboratories
Classification: Uncertain significance. Last evaluated: 2020-04-30. Review status: criteria provided, single submitter. Criteria: ARUP Molecular Germline Variant Investigation Process. Collection method: clinical testing. Allele origin: germline.
Comment: The TTN c.25563C>T; p.Gly8521= variant (rs556205722), to our knowledge, is not reported in the medical literature but is reported in ClinVar (Variation ID: 137843). This variant is found in the general population with an overall allele frequency of 0.01% (20/280072 alleles) in the Genome Aggregation Database. This is a synonymous variant in a weakly conserved nucleotide, and computational analyses (Alamut v.2.11) predict that this variant may impact splicing by creating a novel cryptic donor splice site; however, RNA studies would be required to determine an effect on splicing. Even if used, the cryptic donor site would only be predicted to remove 26 amino acids and leave the remainder of the protein in-frame. However, due to limited information, the clinical significance of the c.25563C>T; p.Gly8521= variant is uncertain at this time.

Women's Health and Genetics/Laboratory Corporation of America, LabCorp
Classification: Likely benign. Last evaluated: 2020-04-04. Review status: criteria provided, single submitter. Criteria: LabCorp Variant Classification Summary - May 2015. Collection method: clinical testing. Allele origin: germline.

Labcorp Genetics (formerly Invitae), Labcorp
Classification: Uncertain significance for Dilated cardiomyopathy 1G; Autosomal recessive limb-girdle muscular dystrophy type 2J. Last evaluated: 2017-11-07. Review status: criteria provided, single submitter. Criteria: Invitae Variant Classification Sherloc (09022015). Collection method: clinical testing. Allele origin: germline.

GeneDx
Classification: Benign. Last evaluated: 2014-04-29. Review status: criteria provided, single submitter. Criteria: GeneDx Variant Classification (06012015). Collection method: clinical testing. Allele origin: germline. Affected: yes.
Comment: This variant is considered likely benign or benign based on one or more of the following criteria: it is a conservative change, it occurs at a poorly conserved position in the protein, it is predicted to be benign by multiple in silico algorithms, and/or has population frequency not consistent with disease.

Laboratory for Molecular Medicine, Mass General Brigham Personalized Medicine
Classification: Likely benign. Last evaluated: 2013-05-03. Review status: criteria provided, single submitter. Criteria: LMM Criteria. Collection method: clinical testing. Allele origin: germline. Observed: 3 variant alleles.
Comment: p.Gly7277Gly in exon 85 of TTN: This variant is not expected to have clinical si gnificance because it does not alter an amino acid residue and is not located wi thin the splice consensus sequence.

NM_001267550.2(TTN):c.25563C>T (p.Gly8521=)

Gene: TTN (titin; minus strand). Cytogenetic location: 2q31.2.
Variant type: single nucleotide variant.
Coding change: c.25563C>T on transcript NM_001267550.2 (MANE Select); coding-DNA position 25563, C replaced by T.
Protein change: p.Gly8521=; no amino-acid change (glycine 8521 retained).
Molecular consequence: synonymous variant. On other transcripts: intron variant (3).
Genome position (GRCh38, 1-based): chr2:178,717,171, G>A on the plus strand (C>T on the coding strand, the complement: TTN is on the minus strand). VCF-style: chr2-178717171-G-A. GRCh37 (hg19) VCF-style: chr2-179581898-G-A.
Other names: p.G8204G:GGC>GGT; c.24612C>T, p.Gly8204= (NM_001256850.1); c.21831C>T, p.Gly7277= (NM_133378.4); c.13282+20911C>T (NM_003319.4); c.13858+20911C>T (NM_133437.4); c.13657+20911C>T (NM_133432.3).
Identifiers: ClinVar variation 137843 (VCV000137843.41), dbSNP rs556205722, ClinGen allele CA295811.
Genomic context (GRCh38, chr2:178,717,171, plus strand): 5'-AGCAGAACAAGAGTCTTTTCCAGCGATGTTGCTTGCATAGCAGGTGTACTGCCCGGCATC[G>A]CCTTTGCCTACTTTGAGAACTGTCAGAGTGGCAGTATTTTCTACCAAAGTCATCTTGTAG-3'
Protein context (NP_001254479.2, residues 8511-8531): ATLTVLKVGK[Gly8521=]DAGQYTCYAS